The following is an entry in ClinVar:

ClinVar aggregate classification (germline): Uncertain significance (1 of 4 stars; one submission).

Submission:

Labcorp Genetics (formerly Invitae), Labcorp
Classification: Uncertain significance. Last evaluated: 2022-06-20. Review status: criteria provided, single submitter. Criteria: Invitae Variant Classification Sherloc (09022015). Collection method: clinical testing. Allele origin: germline.
Comment: In summary, the available evidence is currently insufficient to determine the role of this variant in disease. Therefore, it has been classified as a Variant of Uncertain Significance. This variant is not present in population databases (gnomAD no frequency). This variant has not been reported in the literature in individuals affected with POLR3A-related conditions. Algorithms developed to predict the effect of missense changes on protein structure and function are either unavailable or do not agree on the potential impact of this missense change (SIFT: "Deleterious"; PolyPhen-2: "Probably Damaging"; Align-GVGD: "Class C0"). This sequence change replaces cysteine, which is neutral and slightly polar, with tryptophan, which is neutral and slightly polar, at codon 1346 of the POLR3A protein (p.Cys1346Trp).

NM_007055.4(POLR3A):c.4038C>G (p.Cys1346Trp)

Gene: POLR3A (RNA polymerase III subunit A; minus strand). Cytogenetic location: 10q22.3.
Variant type: single nucleotide variant.
Coding change: c.4038C>G on transcript NM_007055.4 (MANE Select); coding-DNA position 4038, C replaced by G.
Protein change: p.Cys1346Trp; replaces cysteine 1346 with tryptophan.
Molecular consequence: missense variant.
Genome position (GRCh38, 1-based): chr10:77,977,613, G>C on the plus strand (C>G on the coding strand, the complement: POLR3A is on the minus strand). VCF-style: chr10-77977613-G-C. GRCh37 (hg19) VCF-style: chr10-79737371-G-C.
Other names: short protein forms C1346W.
Identifiers: ClinVar variation 1380908 (VCV001380908.6), dbSNP rs2131923263, ClinGen allele CA377325880.